The following is an entry in ClinVar:

NM_017654.4(SAMD9):c.2589A>C (p.Arg863Ser)

Gene: SAMD9 (sterile alpha motif domain containing 9; minus strand). Cytogenetic location: 7q21.2.
Variant type: single nucleotide variant.
Coding change: c.2589A>C on transcript NM_017654.4 (MANE Select); coding-DNA position 2589, A replaced by C.
Protein change: p.Arg863Ser; replaces arginine 863 with serine.
Molecular consequence: missense variant.
Genome position (GRCh38, 1-based): chr7:93,103,509, T>G on the plus strand (A>C on the coding strand, the complement: SAMD9 is on the minus strand). VCF-style: chr7-93103509-T-G. GRCh37 (hg19) VCF-style: chr7-92732822-T-G.
Other names: c.2589A>C, p.Arg863Ser (NM_001193307.2); short protein forms R863S.
Identifiers: ClinVar variation 3792077 (VCV003792077.1).

ClinVar aggregate classification (germline): Uncertain significance (1 of 4 stars; one submission).

Conditions:
Inborn genetic diseases. Identifiers: MedGen C0950123, MeSH D030342.

Submission:

Ambry Genetics
Classification: Uncertain significance for Inborn genetic diseases. Last evaluated: 2025-02-11. Review status: criteria provided, single submitter. Criteria: Ambry Variant Classification Scheme 2023. Collection method: clinical testing. Allele origin: germline.
Comment: The p.R863S variant (also known as c.2589A>C), located in coding exon 1 of the SAMD9 gene, results from an A to C substitution at nucleotide position 2589. The arginine at codon 863 is replaced by serine, an amino acid with dissimilar properties. This amino acid position is conserved. In addition, this alteration is predicted to be tolerated by in silico analysis. Based on the available evidence, the clinical significance of this variant remains unclear.